The following is an entry in ClinVar:

ClinVar aggregate classification (germline): Uncertain significance (1 of 4 stars; one submission).

Submission:

GeneDx
Classification: Uncertain significance. Last evaluated: 2025-08-29. Review status: criteria provided, single submitter. Criteria: GeneDx Variant Classification Process June 2021. Collection method: clinical testing. Allele origin: germline. Affected: yes.
Comment: Not observed at significant frequency in large population cohorts (gnomAD); Canonical splice site variant with an unclear effect on protein function; Has not been previously published as pathogenic or benign to our knowledge

NM_001297595.2(SIN3B):c.583-2A>G

Gene: SIN3B (SIN3 transcription regulator family member B; plus strand). Cytogenetic location: 19p13.11.
Variant type: single nucleotide variant.
Coding change: c.583-2A>G on transcript NM_001297595.2 (MANE Select); the canonical splice acceptor site of the intron before coding-DNA position 583, A replaced by G.
Molecular consequence: splice acceptor variant.
Genome position (GRCh38, 1-based): chr19:16,846,968, A>G. VCF-style: chr19-16846968-A-G. GRCh37 (hg19) VCF-style: chr19-16957779-A-G.
Other names: c.583-2A>G (NM_015260.4).
Identifiers: ClinVar variation 4812927 (VCV004812927.1).